The following is an entry in ClinVar:

ClinVar aggregate classification (germline): Conflicting classifications of pathogenicity. Review status: criteria provided, conflicting classifications (1 of 4 stars). 2 submissions from 2 submitters: Uncertain significance (1); Likely benign (1). Last evaluated 2026-05-01.

Conditions:
Inborn genetic diseases. Identifiers: MedGen C0950123, MeSH D030342.

Allele frequency attached by ClinVar (database versions not stated): TOPMed 0.00005; ExAC 0.00007; 1000 Genomes Project 30x 0.00031.
gnomAD v4.1: 61 of 1,413,770 alleles (0.0043%); highest among the groups gnomAD compares: Middle Eastern, 0.057%; no homozygotes.

Submissions (2):

CeGaT Center for Human Genetics Tuebingen
Classification: Likely benign. Last evaluated: 2026-05-01. Review status: criteria provided, single submitter. Criteria: CeGaT Center For Human Genetics Tuebingen Variant Classification Criteria Version 2. Collection method: clinical testing. Allele origin: germline. Affected: yes. Observed: 1 variant allele.
Comment: TNRC6B: BS2

Ambry Genetics
Classification: Uncertain significance for Inborn genetic diseases. Last evaluated: 2021-07-13. Review status: criteria provided, single submitter. Criteria: Ambry Variant Classification Scheme 2023. Collection method: clinical testing. Allele origin: germline.

NM_001162501.2(TNRC6B):c.2963C>T (p.Pro988Leu)

Gene: TNRC6B (trinucleotide repeat containing adaptor 6B; plus strand). Cytogenetic location: 22q13.1.
Variant type: single nucleotide variant.
Coding change: c.2963C>T on transcript NM_001162501.2 (MANE Select); coding-DNA position 2963, C replaced by T.
Protein change: p.Pro988Leu; replaces proline 988 with leucine.
Molecular consequence: missense variant. On other transcripts: intron variant (1).
Genome position (GRCh38, 1-based): chr22:40,270,278, C>T. VCF-style: chr22-40270278-C-T. GRCh37 (hg19) VCF-style: chr22-40666282-C-T.
Other names: c.722C>T, p.Pro241Leu (NM_001024843.2); c.2807-3147C>T (NM_015088.3); short protein forms P241L, P988L.
Identifiers: ClinVar variation 3180716 (VCV003180716.3), dbSNP rs780721544, ClinGen allele CA10246924.
Genomic context (GRCh38, chr22:40,270,278, plus strand): 5'-CAGGAGCATCGACCACAGGCTGGGGGAACACGCCCGCCAACGCTCCCAATGCCATGAAGC[C>T]TAGTAAGTGTGAAGCTTTTCATTTTTGAGGGATCCTTTTTTTTTTTTTTTTTTAATTGAG-3'
Protein context (NP_001155973.1, residues 978-998): TPANAPNAMK[Pro988Leu]NSKSMQDGWG